The following is an entry in ClinVar:

ClinVar aggregate classification (germline): Pathogenic. Review status: criteria provided, multiple submitters, no conflicts (2 of 4 stars). 5 submissions from 5 submitters: Pathogenic (5). Last evaluated 2025-07-17.
ClinVar aggregate classification (oncogenicity): Likely oncogenic (1 of 4 stars; one submission).

Conditions:
Hereditary cancer-predisposing syndrome. Also called: Hereditary neoplastic syndrome; Tumor predisposition; Neoplastic Syndromes, Hereditary; Hereditary Cancer Syndrome. Identifiers: Orphanet 140162, MedGen C0027672, MeSH D009386, MONDO:0015356.
Familial adenomatous polyposis 1 (FAP1). Also called: FAMILIAL ADENOMATOUS POLYPOSIS 1, ATTENUATED; POLYPOSIS, ADENOMATOUS INTESTINAL. Identifiers: MedGen C2713442, MONDO:0021056, OMIM 175100. Disease mechanism: loss of function.
Neoplasm. Also called: tumor; Neoplasms; Neoplasm (disease). Identifiers: MedGen C0027651, MeSH D009369, MONDO:0005070, HP:0002664.

Submissions (6):

Ambry Genetics
Classification: Pathogenic for Hereditary cancer-predisposing syndrome. Last evaluated: 2025-07-17. Review status: criteria provided, single submitter. Criteria: Ambry Variant Classification Scheme 2023. Collection method: clinical testing. Allele origin: germline.
Comment: The p.Q789* pathogenic mutation (also known as c.2365C>T), located in coding exon 15 of the APC gene, results from a C to T substitution at nucleotide position 2365. This changes the amino acid from a glutamine to a stop codon within coding exon 15. This alteration occurs at the 3' terminus of theAPC gene, is not expected to trigger nonsense-mediated mRNA decay, and impacts the last 72% of the protein. However, premature stop codons are typically deleterious in nature, the impacted region is critical for protein function, and a significant portion of the protein is affected (Ambry internal data). This variant was reported in individual(s) with features consistent with APC-related familial adenomatous polyposis (FAP) (Lagarde A et al. J Med Genet. 2010 Oct;47(10):721-2; Ambry internal data). This variant is considered to be rare based on population cohorts in the Genome Aggregation Database (gnomAD). Based on the supporting evidence, this variant is interpreted as a disease-causing mutation.

Center for Genomic Medicine, Rigshospitalet, Copenhagen University Hospital
Classification: Likely oncogenic for Neoplasm. Last evaluated: 2025-03-04. Review status: criteria provided, single submitter. Criteria: ClinGen/CGC/VICC Guidelines for Oncogenicity, 2022. Collection method: clinical testing. Allele origin: somatic. Affected: yes.

Labcorp Genetics (formerly Invitae), Labcorp
Classification: Pathogenic for Familial adenomatous polyposis 1. Last evaluated: 2024-11-18. Review status: criteria provided, single submitter. Criteria: Invitae Variant Classification Sherloc (09022015). Collection method: clinical testing. Allele origin: germline.
Comment: This sequence change creates a premature translational stop signal (p.Gln789*) in the APC gene. While this is not anticipated to result in nonsense mediated decay, it is expected to disrupt the last 2055 amino acid(s) of the APC protein. This variant is not present in population databases (gnomAD no frequency). This premature translational stop signal has been observed in individual(s) with colorectal cancer and familial adenomatous polyposis (PMID: 20685668, 28975465). This variant is also known as c.2311C>T (p.Gln771*). ClinVar contains an entry for this variant (Variation ID: 92341). This variant is expected to disrupt the EB1 and HDLG binding sites, which mediate interactions with the cytoskeleton (PMID: 15311282, 17293347). While functional studies have not been performed to directly test the effect on APC protein function, this suggests that disruption of the C-terminal portion of the protein is functionally important. A different truncation (p.Tyr2645Lysfs*14) that lies downstream of this variant has been determined to be pathogenic (PMID: 9824584, 1316610, 27081525, 8381579, 22135120, internal data). This suggests that deletion of this region of the APC protein is causative of disease. For these reasons, this variant has been classified as Pathogenic.

Myriad Genetics, Inc.
Classification: Pathogenic for Familial adenomatous polyposis 1. Last evaluated: 2023-05-04. Review status: criteria provided, single submitter. Criteria: Myriad Autosomal Dominant, Autosomal Recessive and X-Linked Classification Criteria (2023). Collection method: clinical testing. Allele origin: unknown.
Comment: This variant is considered pathogenic. This variant creates a termination codon and is predicted to result in premature protein truncation.

GeneDx
Classification: Pathogenic. Last evaluated: 2018-03-14. Review status: criteria provided, single submitter. Criteria: GeneDx Variant Classification (06012015). Collection method: clinical testing. Allele origin: germline. Affected: yes.
Comment: This variant is denoted APC c.2365C>T at the cDNA level and p.Gln789Ter (Q789X) at the protein level. The substitution creates a nonsense variant, which changes a Glutamine to a premature stop codon (CAG>TAG), and is predicted to cause loss of normal protein function through protein truncation. This variant has been reported in individuals with familial adenomatous polyposis (Lagarde 2010) and is considered pathogenic.

Eurofins Ntd Llc (ga)
Classification: Pathogenic. Last evaluated: 2013-01-07. Review status: criteria provided, single submitter. Criteria: EGL Classification Definitions. Collection method: clinical testing. Allele origin: germline. Observed: 1 variant allele, 1 heterozygote.

Literature cited by the submitters: PubMed 34352208 (cited by Center for Genomic Medicine, Rigshospitalet, Copenhagen University Hospital); PubMed 28179481 (cited by Center for Genomic Medicine, Rigshospitalet, Copenhagen University Hospital); PubMed 20685668 (cited by Labcorp Genetics (formerly Invitae), Labcorp); PubMed 28975465 (cited by Labcorp Genetics (formerly Invitae), Labcorp); PubMed 15311282 (cited by Labcorp Genetics (formerly Invitae), Labcorp); PubMed 17293347 (cited by Labcorp Genetics (formerly Invitae), Labcorp); PubMed 9824584 (cited by Labcorp Genetics (formerly Invitae), Labcorp); PubMed 1316610 (cited by Labcorp Genetics (formerly Invitae), Labcorp); PubMed 27081525 (cited by Labcorp Genetics (formerly Invitae), Labcorp); PubMed 8381579 (cited by Labcorp Genetics (formerly Invitae), Labcorp); PubMed 22135120 (cited by Labcorp Genetics (formerly Invitae), Labcorp).

NM_000038.6(APC):c.2365C>T (p.Gln789Ter)

Gene: APC (APC regulator of Wnt signaling pathway; plus strand). Cytogenetic location: 5q22.2.
Variant type: single nucleotide variant.
Coding change: c.2365C>T on transcript NM_000038.6 (MANE Select); coding-DNA position 2365, C replaced by T.
Protein change: p.Gln789Ter; replaces glutamine 789 with a stop codon.
Molecular consequence: nonsense.
Genome position (GRCh38, 1-based): chr5:112,837,959, C>T. VCF-style: chr5-112837959-C-T. GRCh37 (hg19) VCF-style: chr5-112173656-C-T.
Other names: c.2365C>T, p.Gln789Ter (NM_001127510.3, NM_001354895.2); c.2311C>T, p.Gln771Ter (NM_001127511.3); c.2419C>T, p.Gln807Ter (NM_001354896.2); c.2395C>T, p.Gln799Ter (NM_001354897.2); c.2290C>T, p.Gln764Ter (NM_001354898.2); c.2281C>T, p.Gln761Ter (NM_001354899.2); c.2242C>T, p.Gln748Ter (NM_001354900.2); c.2188C>T, p.Gln730Ter (NM_001354901.2); and 5 more; short protein forms Q771*, Q789*, Q506*, Q629*, Q663*, Q761*, Q764*, Q807*.
Identifiers: ClinVar variation 92341 (VCV000092341.21), dbSNP rs398123117, ClinGen allele CA007382.
Genomic context (GRCh38, chr5:112,837,959, plus strand): 5'-TTATCAGAAACTTTTGACAATATAGACAATTTAAGTCCCAAGGCATCTCATCGTAGTAAG[C>T]AGAGACACAAGCAAAGTCTCTATGGTGATTATGTTTTTGACACCAATCGACATGATGATA-3'